The following is an entry in ClinVar:

ClinVar aggregate classification (germline): Conflicting classifications of pathogenicity. Review status: criteria provided, conflicting classifications (1 of 4 stars). 5 submissions from 5 submitters: Uncertain significance (2); Likely benign (2). 1 of the submissions does not count toward it. Last evaluated 2026-10-19.

Conditions:
POC1B-related disorder. Also called: POC1B-related condition.

Allele frequency attached by ClinVar (database versions not stated): ExAC 0.00020; TOPMed 0.00074; 1000 Genomes Project 30x 0.00078; ESP Exome Variant Server 0.00085; gnomAD 0.00064 and 0.00070; 1000 Genomes Project 0.00080.
gnomAD v4.1: 182 of 1,613,738 alleles (0.011%); highest among the groups gnomAD compares: African/African-American, 0.2%; no homozygotes.

Submissions (5):

GeneDx
Classification: Uncertain significance. Last evaluated: 2026-10-19. Review status: criteria provided, single submitter. Criteria: GeneDx Variant Classification Process June 2021. Collection method: clinical testing. Allele origin: germline.
Comment: In silico analysis supports that this missense variant has a deleterious effect on protein structure/function; Has not been previously published as pathogenic or benign to our knowledge

Labcorp Genetics (formerly Invitae), Labcorp
Classification: Likely benign. Last evaluated: 2025-12-09. Review status: criteria provided, single submitter. Criteria: Invitae Variant Classification Sherloc (09022015). Collection method: clinical testing. Allele origin: germline.

Blueprint Genetics
Classification: Uncertain significance. Last evaluated: 2022-05-19. Review status: criteria provided, single submitter. Criteria: ACMG Guidelines, 2015. Collection method: clinical testing. Allele origin: germline.

Breakthrough Genomics
Classification: Likely benign. Review status: criteria provided, single submitter. Criteria: ACMG Guidelines, 2015. Collection method: not provided. Allele origin: germline. Inheritance: Autosomal recessive inheritance. Affected: yes.

PreventionGenetics, part of Exact Sciences
Classification: Likely benign for POC1B-related condition. Last evaluated: 2022-05-25. Review status: no assertion criteria provided. Collection method: clinical testing. Allele origin: germline. Not counted in ClinVar's aggregate classification.
Comment: This variant is classified as likely benign based on ACMG/AMP sequence variant interpretation guidelines (Richards et al. 2015 PMID: 25741868, with internal and published modifications).

NM_172240.3(POC1B):c.196G>A (p.Val66Met)

Genes: POC1B-DUSP6 (POC1B-DUSP6 readthrough; minus strand), POC1B (POC1 centriolar protein B; minus strand). Cytogenetic location: 12q21.33.
Variant type: single nucleotide variant.
Coding change: c.196G>A on transcript NM_172240.3 (MANE Select); coding-DNA position 196, G replaced by A.
Protein change: p.Val66Met; replaces valine 66 with methionine.
Molecular consequence: missense variant.
Genome position (GRCh38, 1-based): chr12:89,497,247, C>T on the plus strand (G>A on the coding strand, the complement: POC1B is on the minus strand). VCF-style: chr12-89497247-C-T. GRCh37 (hg19) VCF-style: chr12-89891024-C-T.
Other names: c.70G>A, p.Val24Met (NM_001199777.2); c.196G>A (NM_172240.2); short protein forms V24M, V66M.
Identifiers: ClinVar variation 1156971 (VCV001156971.15), dbSNP rs141485649, ClinGen allele CA6714586.